The following is an entry in ClinVar:

NM_001165963.4(SCN1A):c.1171-270G>T

Gene: SCN1A (sodium voltage-gated channel alpha subunit 1; minus strand). Cytogenetic location: 2q24.3.
Variant type: single nucleotide variant.
Coding change: c.1171-270G>T on transcript NM_001165963.4 (MANE Select); 270 bases into the intron before coding-DNA position 1171, G replaced by T.
Molecular consequence: intron variant.
Genome position (GRCh38, 1-based): chr2:166,047,246, C>A on the plus strand (G>T on the coding strand, the complement: SCN1A is on the minus strand). VCF-style: chr2-166047246-C-A. GRCh37 (hg19) VCF-style: chr2-166903756-C-A.
Other names: c.1171-270G>T (NM_001353949.2, NM_001353958.2, NM_001353950.2 and 10 more transcripts); c.-1255-270G>T (NM_001353961.2).
Identifiers: ClinVar variation 684216 (VCV000684216.1), dbSNP rs13421166, ClinGen allele CA59798369.

ClinVar aggregate classification (germline): Benign (1 of 4 stars; one submission).

Allele frequency attached by ClinVar (database versions not stated): gnomAD 0.73932 and 0.73936; TOPMed 0.74073; 1000 Genomes Project 30x 0.78826; 1000 Genomes Project 0.78954.
gnomAD v4.1: 112,204 of 152,034 alleles (74%); highest among the groups gnomAD compares: East Asian, 89%; 41,805 homozygotes.

Submission:

GeneDx
Classification: Benign. Last evaluated: 2018-06-18. Review status: criteria provided, single submitter. Criteria: GeneDx Variant Classification (06012015). Collection method: clinical testing. Allele origin: germline. Affected: yes.
Comment: This variant is considered likely benign or benign based on one or more of the following criteria: it is a conservative change, it occurs at a poorly conserved position in the protein, it is predicted to be benign by multiple in silico algorithms, and/or has population frequency not consistent with disease.